The following is an entry in ClinVar:

ClinVar aggregate classification (germline): Likely benign. Review status: criteria provided, single submitter (1 of 4 stars). 2 submissions from 2 submitters: Likely benign (1). 1 of the submissions does not count toward it. Last evaluated 2022-07-14.

Conditions:
MEFV-related disorder. Also called: MEFV-related disorders; MEFV-related condition.

Submissions (2):

Blueprint Genetics
Classification: Likely benign. Last evaluated: 2022-07-14. Review status: criteria provided, single submitter. Criteria: ACMG Guidelines, 2015. Collection method: clinical testing. Allele origin: germline.

PreventionGenetics, part of Exact Sciences
Classification: Likely benign for MEFV-related condition. Last evaluated: 2024-02-09. Review status: no assertion criteria provided. Collection method: clinical testing. Allele origin: germline. Not counted in ClinVar's aggregate classification.
Comment: This variant is classified as likely benign based on ACMG/AMP sequence variant interpretation guidelines (Richards et al. 2015 PMID: 25741868, with internal and published modifications).

NM_000243.3(MEFV):c.910+6T>G

Gene: MEFV (MEFV innate immunity regulator, pyrin; minus strand). Cytogenetic location: 16p13.3.
Variant type: single nucleotide variant.
Coding change: c.910+6T>G on transcript NM_000243.3 (MANE Select); 6 bases into the intron after coding-DNA position 910, T replaced by G.
Molecular consequence: intron variant.
Genome position (GRCh38, 1-based): chr16:3,254,152, A>C on the plus strand (T>G on the coding strand, the complement: MEFV is on the minus strand). VCF-style: chr16-3254152-A-C. GRCh37 (hg19) VCF-style: chr16-3304152-A-C.
Other names: c.277+2159T>G (NM_001198536.2).
Identifiers: ClinVar variation 3051422 (VCV003051422.3), dbSNP rs375383402, ClinGen allele CA2740096867.
Genomic context (GRCh38, chr16:3,254,152, plus strand): 5'-GCTATCGTGCCCGGCCAGCCATTCTTTCTCTGCAGCCGATATAAAGTAGGAAAGAACACA[A>C]TTTACCGGTGACCGAATGTTCTGGATTTCCAGGGCCTTCCTTCAGGTCCGCAGATGCCCC-3'